The following is an entry in ClinVar:

ClinVar aggregate classification (germline): Uncertain significance (1 of 4 stars; one submission).

Conditions:
Dilated cardiomyopathy 1DD (CMD1DD). Identifiers: Orphanet 154, MedGen C2750995, MONDO:0013168, OMIM 613172.

Submission:

Labcorp Genetics (formerly Invitae), Labcorp
Classification: Uncertain significance for Dilated cardiomyopathy 1DD. Last evaluated: 2024-07-11. Review status: criteria provided, single submitter. Criteria: Invitae Variant Classification Sherloc (09022015). Collection method: clinical testing. Allele origin: germline.
Comment: This sequence change replaces proline, which is neutral and non-polar, with arginine, which is basic and polar, at codon 45 of the RBM20 protein (p.Pro45Arg). This variant is not present in population databases (gnomAD no frequency). This variant has not been reported in the literature in individuals affected with RBM20-related conditions. ClinVar contains an entry for this variant (Variation ID: 2158476). Advanced modeling of protein sequence and biophysical properties (such as structural, functional, and spatial information, amino acid conservation, physicochemical variation, residue mobility, and thermodynamic stability) performed at Invitae indicates that this missense variant is not expected to disrupt RBM20 protein function with a negative predictive value of 95%. In summary, the available evidence is currently insufficient to determine the role of this variant in disease. Therefore, it has been classified as a Variant of Uncertain Significance.

NM_001134363.3(RBM20):c.134C>G (p.Pro45Arg)

Gene: RBM20 (RNA binding motif protein 20; plus strand). Cytogenetic location: 10q25.2.
Variant type: single nucleotide variant.
Coding change: c.134C>G on transcript NM_001134363.3 (MANE Select); coding-DNA position 134, C replaced by G.
Protein change: p.Pro45Arg; replaces proline 45 with arginine.
Molecular consequence: missense variant.
Genome position (GRCh38, 1-based): chr10:110,644,588, C>G. VCF-style: chr10-110644588-C-G. GRCh37 (hg19) VCF-style: chr10-112404346-C-G.
Other names: short protein forms P45R.
Identifiers: ClinVar variation 2158476 (VCV002158476.4), dbSNP rs1036333804, ClinGen allele CA378527811.